The following is an entry in ClinVar:

NM_005523.6(HOXA11):c.30C>T (p.Ser10=)

Genes: HOXA11 (homeobox A11; minus strand), LOC107126281 (NUP98-HOXA11 recombination region; plus strand). Cytogenetic location: 7p15.2.
Variant type: single nucleotide variant.
Coding change: c.30C>T on transcript NM_005523.6 (MANE Select); coding-DNA position 30, C replaced by T.
Protein change: p.Ser10=; no amino-acid change (serine 10 retained).
Molecular consequence: synonymous variant.
Genome position (GRCh38, 1-based): chr7:27,185,115, G>A on the plus strand (C>T on the coding strand, the complement: HOXA11 is on the minus strand). VCF-style: chr7-27185115-G-A. GRCh37 (hg19) VCF-style: chr7-27224734-G-A.
Identifiers: ClinVar variation 4977941 (VCV004977941.1).
Genomic context (GRCh38, chr7:27,185,115, plus strand): 5'-GAGGCTGGAGAAATCTGGACCCGAGACGTAGTAAGTACAACTTGGCAAATACATGTTAGA[G>A]GAGCAGGGACCACGCTCATCAAAATCCATTATTGGGCTACCTTGGGCTCTCCGCAGTAGC-3'
Protein context (NP_005514.1, residues 1-20): MDFDERGPC[Ser10=]SNMYLPSCTY

ClinVar aggregate classification (germline): Likely benign (1 of 4 stars; one submission).

Conditions:
HOXA11-related disorder. Also called: HOXA11-related condition.

gnomAD v4.1: 53 of 1,614,084 alleles (0.0033%); highest among the groups gnomAD compares: Non-Finnish European, 0.0044%; no homozygotes.

Submission:

PreventionGenetics, part of Exact Sciences
Classification: Likely benign for HOXA11-related condition. Last evaluated: 2026-06-02. Review status: criteria provided, single submitter. Criteria: ACMG Guidelines, 2015. Collection method: clinical testing. Allele origin: germline.
Comment: This variant is classified as likely benign based on ACMG/AMP sequence variant interpretation guidelines (Richards et al. 2015 PMID: 25741868, with internal and published modifications).